The following is an entry in ClinVar:

NM_000321.3(RB1):c.182G>C (p.Cys61Ser)

Gene: RB1 (RB transcriptional corepressor 1; plus strand). Cytogenetic location: 13q14.2.
Variant type: single nucleotide variant.
Coding change: c.182G>C on transcript NM_000321.3 (MANE Select); coding-DNA position 182, G replaced by C.
Protein change: p.Cys61Ser; replaces cysteine 61 with serine.
Molecular consequence: missense variant.
Genome position (GRCh38, 1-based): chr13:48,307,324, G>C. VCF-style: chr13-48307324-G-C. GRCh37 (hg19) VCF-style: chr13-48881460-G-C.
Other names: c.182G>C, p.Cys61Ser (NM_001407165.1, NM_001407166.1, NM_001407167.1); short protein forms C61S.
Identifiers: ClinVar variation 3231202 (VCV003231202.2), dbSNP rs1593414390, ClinGen allele CA388250519.

ClinVar aggregate classification (germline): Uncertain significance (1 of 4 stars; one submission).

Conditions:
Hereditary cancer-predisposing syndrome. Also called: Neoplastic Syndromes, Hereditary; Tumor predisposition; Hereditary Cancer Syndrome; Hereditary neoplastic syndrome. Identifiers: Orphanet 140162, MedGen C0027672, MeSH D009386, MONDO:0015356.

Submission:

Ambry Genetics
Classification: Uncertain significance for Hereditary cancer-predisposing syndrome. Last evaluated: 2026-07-30. Review status: criteria provided, single submitter. Criteria: Ambry Variant Classification Scheme 2023. Collection method: clinical testing. Allele origin: germline.
Comment: The p.C61S variant (also known as c.182G>C), located in coding exon 2 of the RB1 gene, results from a G to C substitution at nucleotide position 182. The cysteine at codon 61 is replaced by serine, an amino acid with dissimilar properties. This amino acid position is highly conserved in available vertebrate species. In addition, this alteration is predicted to be deleterious by in silico analysis. Based on the available evidence, the clinical significance of this variant remains unclear.